The following is an entry in ClinVar:

NM_024675.4(PALB2):c.695G>C (p.Gly232Ala)

Gene: PALB2 (partner and localizer of BRCA2; minus strand). Cytogenetic location: 16p12.2.
Variant type: single nucleotide variant.
Coding change: c.695G>C on transcript NM_024675.4 (MANE Select); coding-DNA position 695, G replaced by C.
Protein change: p.Gly232Ala; replaces glycine 232 with alanine.
Molecular consequence: missense variant.
Genome position (GRCh38, 1-based): chr16:23,635,851, C>G on the plus strand (G>C on the coding strand, the complement: PALB2 is on the minus strand). VCF-style: chr16-23635851-C-G. GRCh37 (hg19) VCF-style: chr16-23647172-C-G.
Other names: c.635G>C, p.Gly212Ala (NM_001407296.1); c.695G>C, p.Gly232Ala (NM_001407297.1, NM_001407298.1, NM_001407299.1 and 3 more transcripts); c.-191G>C (NM_001407304.1, NM_001407305.1, NM_001407306.1 and 5 more transcripts); short protein forms G232A, G212A.
Identifiers: ClinVar variation 2002560 (VCV002002560.4), dbSNP rs1365024903, ClinGen allele CA395136391.

ClinVar aggregate classification (germline): Uncertain significance (1 of 4 stars; one submission).

Conditions:
Familial cancer of breast. Also called: hereditary breast carcinoma; Hereditary breast cancer; BREAST CANCER, FAMILIAL. Identifiers: Orphanet 227535, MedGen C0346153, MONDO:0016419, OMIM 114480. Disease mechanism: loss of function.

Submission:

Labcorp Genetics (formerly Invitae), Labcorp
Classification: Uncertain significance for Familial cancer of breast. Last evaluated: 2024-04-29. Review status: criteria provided, single submitter. Criteria: Invitae Variant Classification Sherloc (09022015). Collection method: clinical testing. Allele origin: germline.
Comment: This sequence change replaces glycine, which is neutral and non-polar, with alanine, which is neutral and non-polar, at codon 232 of the PALB2 protein (p.Gly232Ala). This variant is not present in population databases (gnomAD no frequency). This variant has not been reported in the literature in individuals affected with PALB2-related conditions. ClinVar contains an entry for this variant (Variation ID: 2002560). Algorithms developed to predict the effect of missense changes on protein structure and function output the following: SIFT: "Not Available"; PolyPhen-2: "Benign"; Align-GVGD: "Not Available". The alanine amino acid residue is found in multiple mammalian species, which suggests that this missense change does not adversely affect protein function. In summary, the available evidence is currently insufficient to determine the role of this variant in disease. Therefore, it has been classified as a Variant of Uncertain Significance.